The following is an entry in ClinVar:

NM_000744.7(CHRNA4):c.961A>G (p.Ile321Val)

Gene: CHRNA4 (cholinergic receptor nicotinic alpha 4 subunit; minus strand). Cytogenetic location: 20q13.33.
Variant type: single nucleotide variant.
Coding change: c.961A>G on transcript NM_000744.7 (MANE Select); coding-DNA position 961, A replaced by G.
Protein change: p.Ile321Val; replaces isoleucine 321 with valine.
Molecular consequence: missense variant. On other transcripts: non-coding transcript variant (1).
Genome position (GRCh38, 1-based): chr20:63,350,450, T>C on the plus strand (A>G on the coding strand, the complement: CHRNA4 is on the minus strand). VCF-style: chr20-63350450-T-C. GRCh37 (hg19) VCF-style: chr20-61981802-T-C.
Other names: c.433A>G, p.Ile145Val (NM_001256573.2); short protein forms I321V, I145V.
Identifiers: ClinVar variation 421774 (VCV000421774.13), dbSNP rs375340441, ClinGen allele CA9957694.

ClinVar aggregate classification (germline): Conflicting classifications of pathogenicity. Review status: criteria provided, conflicting classifications (1 of 4 stars). 3 submissions from 3 submitters: Uncertain significance (2); Likely benign (1). Last evaluated 2025-09-02.

Conditions:
Familial sleep-related hypermotor epilepsy. Also called: Autosomal Dominant Sleep-Related Hypermotor (Hyperkinetic) Epilepsy. Identifiers: Orphanet 98784, MedGen C3696898, MONDO:0000030.
Inborn genetic diseases. Identifiers: MedGen C0950123, MeSH D030342.

Allele frequency attached by ClinVar (database versions not stated): gnomAD exomes below 0.00001 and 0.00001; ExAC 0.00001; gnomAD 0.00002; TOPMed 0.00003; ESP Exome Variant Server 0.00008.
gnomAD v4.1: 8 of 1,613,262 alleles (0.0005%); highest among the groups gnomAD compares: African/African-American, 0.0094%; no homozygotes.

Submissions (3):

Labcorp Genetics (formerly Invitae), Labcorp
Classification: Likely benign. Last evaluated: 2025-09-02. Review status: criteria provided, single submitter. Criteria: Invitae Variant Classification Sherloc (09022015). Collection method: clinical testing. Allele origin: germline.

Ambry Genetics
Classification: Uncertain significance for Inborn genetic diseases. Last evaluated: 2024-05-20. Review status: criteria provided, single submitter. Criteria: Ambry Variant Classification Scheme 2023. Collection method: clinical testing. Allele origin: germline.

GeneDx
Classification: Uncertain significance. Last evaluated: 2019-10-25. Review status: criteria provided, single submitter. Criteria: GeneDx Variant Classification Process June 2021. Collection method: clinical testing. Allele origin: germline. Affected: yes.
Comment: Not observed at a significant frequency in large population cohorts (Lek et al., 2016); In silico analysis, which includes protein predictors and evolutionary conservation, supports that this variant does not alter protein structure/function; Has not been previously published as pathogenic or benign to our knowledge